The following is an entry in ClinVar:

NM_001369.3(DNAH5):c.5034C>A (p.Cys1678Ter)

Gene: DNAH5 (dynein axonemal heavy chain 5; minus strand). Cytogenetic location: 5p15.2.
Variant type: single nucleotide variant.
Coding change: c.5034C>A on transcript NM_001369.3 (MANE Select); coding-DNA position 5034, C replaced by A.
Protein change: p.Cys1678Ter; replaces cysteine 1678 with a stop codon.
Molecular consequence: nonsense.
Genome position (GRCh38, 1-based): chr5:13,850,732, G>T on the plus strand (C>A on the coding strand, the complement: DNAH5 is on the minus strand). VCF-style: chr5-13850732-G-T. GRCh37 (hg19) VCF-style: chr5-13850841-G-T.
Other names: short protein forms C1678*.
Identifiers: ClinVar variation 5013439 (VCV005013439.1).

ClinVar aggregate classification (germline): Pathogenic (1 of 4 stars; one submission).

Conditions:
Primary ciliary dyskinesia 3. Identifiers: Orphanet 244, MedGen C1837618, MONDO:0012085, OMIM 608644.

Submission:

Myriad Genetics, Inc.
Classification: Pathogenic for Primary ciliary dyskinesia 3. Last evaluated: 2024-05-14. Review status: criteria provided, single submitter. Criteria: Myriad Autosomal Dominant, Autosomal Recessive and X-Linked Classification Criteria (2023). Collection method: clinical testing. Allele origin: unknown.
Comment: NM_001369.2(DNAH5):c.5034C>A(C1678*) is expected to be pathogenic in the context of primary ciliary dyskinesia, DNAH5-related. This variant is predicted to lead to an abnormal or absent protein product due to the creation of a premature termination codon in DNAH5, a gene where loss-of-function variants are known to be pathogenic. Please note: this variant was assessed in the context of healthy population screening.